The following is an entry in ClinVar:

NM_023110.3(FGFR1):c.2266C>T (p.Arg756Cys)

Gene: FGFR1 (fibroblast growth factor receptor 1; minus strand). Cytogenetic location: 8p11.23.
Variant type: single nucleotide variant.
Coding change: c.2266C>T on transcript NM_023110.3 (MANE Select); coding-DNA position 2266, C replaced by T.
Protein change: p.Arg756Cys; replaces arginine 756 with cysteine.
Molecular consequence: missense variant.
Genome position (GRCh38, 1-based): chr8:38,413,944, G>A on the plus strand (C>T on the coding strand, the complement: FGFR1 is on the minus strand). VCF-style: chr8-38413944-G-A. GRCh37 (hg19) VCF-style: chr8-38271462-G-A.
Other names: c.2266C>T, p.Arg756Cys (NM_000604.2); c.2260C>T, p.Arg754Cys (NM_001174063.2, NM_001174065.2, NM_001354367.2 and 1 more transcripts); c.2236C>T, p.Arg746Cys (NM_001174064.2); c.1999C>T, p.Arg667Cys (NM_001174066.2, NM_023105.3); c.2359C>T, p.Arg787Cys (NM_001174067.2); c.1987C>T, p.Arg663Cys (NM_001354368.2); c.2254C>T, p.Arg752Cys (NM_001354369.2, NM_001410922.1); c.1993C>T, p.Arg665Cys (NM_001354370.2, NM_023106.3); short protein forms R667C, R746C, R752C, R756C, R787C, R663C, R665C, R754C.
Identifiers: ClinVar variation 2079731 (VCV002079731.4), dbSNP rs1219463859, ClinGen allele CA370727811.
Genomic context (GRCh38, chr8:38,413,944, plus strand): 5'-GCCTGAGCTCTGGCTCTGGCACGGGCAGCCTTACCTGGTTGGAGGTCAAGGCCACGATGC[G>A]GTCCAGGTCTTCCACCAGCTGCTTGAAGGTGGGTCTCTGTGAGGGCACTGCATGCCAGCA-3'
Protein context (NP_075598.2, residues 746-766): TFKQLVEDLD[Arg756Cys]IVALTSNQEY

ClinVar aggregate classification (germline): Uncertain significance (1 of 4 stars; one submission).

Conditions:
Pfeiffer syndrome (ACS5). Also called: ACS V. Identifiers: Orphanet 710, MedGen C0220658, MONDO:0007043, OMIM 101600.
Hypogonadotropic hypogonadism 2 with or without anosmia (HH2). Also called: HYPOGONADOTROPIC HYPOGONADISM 2 WITHOUT ANOSMIA; HYPOGONADOTROPIC HYPOGONADISM 2 WITH OR WITHOUT ANOSMIA, SUSCEPTIBILITY TO; HYPOGONADOTROPIC HYPOGONADISM 2 WITHOUT ANOSMIA, SUSCEPTIBILITY TO; FGFR1-Related GnRH Deficiency (Kallmann Syndrome 2). Identifiers: Orphanet 478, MedGen C1563720, MONDO:0007844, OMIM 147950. Disease mechanism: loss of function.

Allele frequency attached by ClinVar (database versions not stated): TOPMed below 0.00001; gnomAD 0.00001; gnomAD exomes 0.00001.
gnomAD v4.1: 10 of 1,613,902 alleles (0.00062%); highest among the groups gnomAD compares: Admixed American, 0.0067%; no homozygotes.

Submission:

Labcorp Genetics (formerly Invitae), Labcorp
Classification: Uncertain significance for Pfeiffer syndrome; Hypogonadotropic hypogonadism 2 with or without anosmia. Last evaluated: 2023-12-11. Review status: criteria provided, single submitter. Criteria: Invitae Variant Classification Sherloc (09022015). Collection method: clinical testing. Allele origin: germline.
Comment: This sequence change replaces arginine, which is basic and polar, with cysteine, which is neutral and slightly polar, at codon 756 of the FGFR1 protein (p.Arg756Cys). This variant is present in population databases (no rsID available, gnomAD 0.003%). This missense change has been observed in individual(s) with ossification of the posterior longitudinal ligament of the spine (PMID: 27246988). This variant is also known as p.R754C. ClinVar contains an entry for this variant (Variation ID: 2079731). Advanced modeling of protein sequence and biophysical properties (such as structural, functional, and spatial information, amino acid conservation, physicochemical variation, residue mobility, and thermodynamic stability) performed at Invitae indicates that this missense variant is expected to disrupt FGFR1 protein function with a positive predictive value of 95%. In summary, the available evidence is currently insufficient to determine the role of this variant in disease. Therefore, it has been classified as a Variant of Uncertain Significance.

Literature cited by the submitters: PubMed 27246988.